The following is an entry in ClinVar:

NM_173076.3(ABCA12):c.5992T>C (p.Ser1998Pro)

Genes: ABCA12 (ATP binding cassette subfamily A member 12; minus strand), SNHG31 (small nucleolar RNA host gene 31; plus strand). Cytogenetic location: 2q35.
Variant type: single nucleotide variant.
Coding change: c.5992T>C on transcript NM_173076.3 (MANE Select); coding-DNA position 5992, T replaced by C.
Protein change: p.Ser1998Pro; replaces serine 1998 with proline.
Molecular consequence: missense variant. On other transcripts: non-coding transcript variant (1).
Genome position (GRCh38, 1-based): chr2:214,958,402, A>G on the plus strand (T>C on the coding strand, the complement: ABCA12 is on the minus strand). VCF-style: chr2-214958402-A-G. GRCh37 (hg19) VCF-style: chr2-215823126-A-G.
Other names: c.5038T>C, p.Ser1680Pro (NM_015657.4); short protein forms S1998P, S1680P.
Identifiers: ClinVar variation 452158 (VCV000452158.3), dbSNP rs1195860591, ClinGen allele CA350449565.

ClinVar aggregate classification (germline): Uncertain significance (1 of 4 stars; one submission).

Allele frequency attached by ClinVar (database versions not stated): TOPMed below 0.00001; gnomAD 0.00001.
gnomAD v4.1: 19 of 1,613,922 alleles (0.0012%); highest among the groups gnomAD compares: Non-Finnish European, 0.0016%; no homozygotes.

Submission:

GeneDx
Classification: Uncertain significance. Last evaluated: 2023-12-07. Review status: criteria provided, single submitter. Criteria: GeneDx Variant Classification Process June 2021. Collection method: clinical testing. Allele origin: germline. Affected: yes.
Comment: Has not been previously published as pathogenic or benign to our knowledge; Not observed at significant frequency in large population cohorts (gnomAD); In silico analysis supports that this missense variant has a deleterious effect on protein structure/function